The following is an entry in ClinVar:

NM_000487.6(ARSA):c.245G>A (p.Arg82Gln)

Gene: ARSA (arylsulfatase A; minus strand). Cytogenetic location: 22q13.33.
Variant type: single nucleotide variant.
Coding change: c.245G>A on transcript NM_000487.6 (MANE Select); coding-DNA position 245, G replaced by A.
Protein change: p.Arg82Gln; replaces arginine 82 with glutamine.
Molecular consequence: missense variant. On other transcripts: 5 prime UTR variant (2).
Genome position (GRCh38, 1-based): chr22:50,627,386, C>T on the plus strand (G>A on the coding strand, the complement: ARSA is on the minus strand). VCF-style: chr22-50627386-C-T. GRCh37 (hg19) VCF-style: chr22-51065814-C-T.
Other names: c.245G>A, p.Arg82Gln (NM_001085425.3, NM_001085426.3, NM_001085427.3); c.-14G>A (NM_001085428.3, NM_001362782.2); c.245G>A (NM_000487.5); short protein forms R82Q.
Identifiers: ClinVar variation 522999 (VCV000522999.8), dbSNP rs769892461, ClinGen allele CA10325076.

ClinVar aggregate classification (germline): Pathogenic/Likely pathogenic. Review status: criteria provided, multiple submitters, no conflicts (2 of 4 stars). 4 submissions from 4 submitters: Pathogenic (1); Likely pathogenic (3). Last evaluated 2026-06-01.

Conditions:
Metachromatic leukodystrophy (MLD). Also called: Cerebral sclerosis diffuse metachromatic form; ARSA DEFICIENCY; CEREBROSIDE SULFATASE DEFICIENCY; Arylsulfatase A Deficiency; METACHROMATIC LEUKOENCEPHALOPATHY; SULFATIDE LIPIDOSIS. Identifiers: Orphanet 512, MedGen C0023522, MONDO:0018868, OMIM 250100.

Allele frequency attached by ClinVar (database versions not stated): ExAC 0.00001; gnomAD 0.00001; TOPMed 0.00001.

Submissions (4):

CeGaT Center for Human Genetics Tuebingen
Classification: Likely pathogenic. Last evaluated: 2026-06-01. Review status: criteria provided, single submitter. Criteria: CeGaT Center For Human Genetics Tuebingen Variant Classification Criteria Version 2. Collection method: clinical testing. Allele origin: germline. Affected: yes. Observed: 1 variant allele.
Comment: ARSA: PM2, PM3, PM5, PP4

Mendelics
Classification: Pathogenic for Metachromatic leukodystrophy. Last evaluated: 2026-03-05. Review status: criteria provided, single submitter. Criteria: ACMG Guidelines, 2015. Collection method: clinical testing. Allele origin: unknown.
Comment: Likely pathogenic/Pathogenic according to ACMG criteria.

Natera, Inc.
Classification: Likely pathogenic for Metachromatic leukodystrophy. Last evaluated: 2025-12-01. Review status: criteria provided, single submitter. Criteria: Natera Variant Classification Schema (03/2026). Collection method: clinical testing. Allele origin: germline.
Comment: The c.245G>A variant in ARSA is a missense variant predicted to cause substitution of arginine to glutamine at amino acid 82. This variant is rare in the general population with a frequency below the threshold expected for the associated phenotype(s). This variant has been observed in one or more individuals affected with the associated recessive disease, as either homozygous or compound heterozygous with a second variant (PMID: 34554397). A different variant at the same position has been determined to be Pathogenic or Likely Pathogenic. Computational prediction algorithms indicate this variant is likely to affect gene or protein function. Given the available evidence, this variant is classified as Likely Pathogenic.

Genomic Research Center, Shahid Beheshti University of Medical Sciences
Classification: Likely pathogenic for Metachromatic leukodystrophy. Last evaluated: 2020-05-03. Review status: criteria provided, single submitter. Criteria: ACMG Guidelines, 2015. Collection method: clinical testing. Allele origin: unknown. Affected: yes.

Literature cited by the submitters: PubMed 34554397 (cited by Natera, Inc.).